The following is an entry in ClinVar:

ClinVar aggregate classification (germline): Conflicting classifications of pathogenicity. Review status: criteria provided, conflicting classifications (1 of 4 stars). 5 submissions from 5 submitters: Uncertain significance (3); Likely benign (1). 1 of the submissions does not count toward it. Last evaluated 2026-01-21.

Conditions:
CA4-related disorder. Also called: CA4-related condition.
Retinitis pigmentosa (RP). Identifiers: Orphanet 791, MedGen C0035334, MeSH D012174, MONDO:0019200, OMIM 268000. Inheritance: Autosomal dominant, autosomal recessive and X linked inheritance.

Allele frequency attached by ClinVar (database versions not stated): ExAC 0.00016; gnomAD exomes 0.00019; gnomAD 0.00020 and 0.00021; TOPMed 0.00020; ESP Exome Variant Server 0.00046.
gnomAD v4.1: 721 of 1,613,480 alleles (0.045%); highest among the groups gnomAD compares: Non-Finnish European, 0.059%; 3 homozygotes.

Submissions (5):

Labcorp Genetics (formerly Invitae), Labcorp
Classification: Uncertain significance. Last evaluated: 2026-01-21. Review status: criteria provided, single submitter. Criteria: Invitae Variant Classification Sherloc (09022015). Collection method: clinical testing. Allele origin: germline.
Comment: This sequence change replaces lysine, which is basic and polar, with arginine, which is basic and polar, at codon 192 of the CA4 protein (p.Lys192Arg). This variant is present in population databases (rs147624521, gnomAD 0.03%), and has an allele count higher than expected for a pathogenic variant. This variant has not been reported in the literature in individuals affected with CA4-related conditions. ClinVar contains an entry for this variant (Variation ID: 324234). Invitae Evidence Modeling of protein sequence and biophysical properties (such as structural, functional, and spatial information, amino acid conservation, physicochemical variation, residue mobility, and thermodynamic stability) indicates that this missense variant is not expected to disrupt CA4 protein function with a negative predictive value of 80%. In summary, the available evidence is currently insufficient to determine the role of this variant in disease. Therefore, it has been classified as a Variant of Uncertain Significance.

Blueprint Genetics
Classification: Likely benign. Last evaluated: 2024-10-09. Review status: criteria provided, single submitter. Criteria: ACMG Guidelines, 2015. Collection method: clinical testing. Allele origin: germline.

Illumina Laboratory Services, Illumina
Classification: Uncertain significance for Retinitis pigmentosa. Last evaluated: 2018-01-12. Review status: criteria provided, single submitter. Criteria: ICSL Variant Classification Criteria 13 December 2019. Collection method: clinical testing. Allele origin: germline.

CeGaT Center for Human Genetics Tuebingen
Classification: Uncertain significance. Last evaluated: 2017-01-01. Review status: criteria provided, single submitter. Criteria: CeGaT Center For Human Genetics Tuebingen Variant Classification Criteria Version 2. Collection method: clinical testing. Allele origin: germline. Affected: yes. Observed: 1 variant allele.

PreventionGenetics, part of Exact Sciences
Classification: Likely benign for CA4-related condition. Last evaluated: 2024-06-18. Review status: no assertion criteria provided. Collection method: clinical testing. Allele origin: germline. Not counted in ClinVar's aggregate classification.
Comment: This variant is classified as likely benign based on ACMG/AMP sequence variant interpretation guidelines (Richards et al. 2015 PMID: 25741868, with internal and published modifications).

NM_000717.5(CA4):c.575A>G (p.Lys192Arg)

Gene: CA4 (carbonic anhydrase 4; plus strand). Cytogenetic location: 17q23.1.
Variant type: single nucleotide variant.
Coding change: c.575A>G on transcript NM_000717.5 (MANE Select); coding-DNA position 575, A replaced by G.
Protein change: p.Lys192Arg; replaces lysine 192 with arginine.
Molecular consequence: missense variant. On other transcripts: non-coding transcript variant (1).
Genome position (GRCh38, 1-based): chr17:60,158,122, A>G. VCF-style: chr17-60158122-A-G. GRCh37 (hg19) VCF-style: chr17-58235483-A-G.
Other names: short protein forms K192R.
Identifiers: ClinVar variation 324234 (VCV000324234.55), dbSNP rs147624521, ClinGen allele CA8685429.